The following is an entry in ClinVar:

NM_001346249.2(RALGAPA1):c.369+9A>G

Gene: RALGAPA1 (Ral GTPase activating protein catalytic subunit alpha 1; minus strand). Cytogenetic location: 14q13.2.
Variant type: single nucleotide variant.
Coding change: c.369+9A>G on transcript NM_001346249.2 (MANE Select); 9 bases into the intron after coding-DNA position 369, A replaced by G.
Molecular consequence: intron variant.
Genome position (GRCh38, 1-based): chr14:35,762,701, T>C on the plus strand (A>G on the coding strand, the complement: RALGAPA1 is on the minus strand). VCF-style: chr14-35762701-T-C. GRCh37 (hg19) VCF-style: chr14-36231907-T-C.
Other names: c.369+9A>G (NM_194301.4, NM_001346246.2, NM_014990.3 and 7 more transcripts).
Identifiers: ClinVar variation 4980065 (VCV004980065.1).

ClinVar aggregate classification (germline): Likely benign (1 of 4 stars; one submission).

Conditions:
RALGAPA1-related disorder. Also called: RALGAPA1-related condition.

gnomAD v4.1: 31 of 1,481,610 alleles (0.0021%); highest among the groups gnomAD compares: Middle Eastern, 0.052%; no homozygotes.

Submission:

PreventionGenetics, part of Exact Sciences
Classification: Likely benign for RALGAPA1-related condition. Last evaluated: 2025-03-11. Review status: criteria provided, single submitter. Criteria: ACMG Guidelines, 2015. Collection method: clinical testing. Allele origin: germline.
Comment: This variant is classified as likely benign based on ACMG/AMP sequence variant interpretation guidelines (Richards et al. 2015 PMID: 25741868, with internal and published modifications).